The following is an entry in ClinVar:

ClinVar aggregate classification (germline): Uncertain significance (1 of 4 stars; one submission).

Allele frequency attached by ClinVar (database versions not stated): gnomAD 0.00001; gnomAD exomes 0.00001; TOPMed 0.00002.
gnomAD v4.1: 11 of 1,614,028 alleles (0.00068%); highest among the groups gnomAD compares: South Asian, 0.0011%; no homozygotes.

Submission:

Labcorp Genetics (formerly Invitae), Labcorp
Classification: Uncertain significance. Last evaluated: 2025-08-21. Review status: criteria provided, single submitter. Criteria: Invitae Variant Classification Sherloc (09022015). Collection method: clinical testing. Allele origin: germline.
Comment: This sequence change replaces arginine, which is basic and polar, with glutamine, which is neutral and polar, at codon 1274 of the TRPM1 protein (p.Arg1274Gln). This variant is not present in population databases (gnomAD no frequency). This variant has not been reported in the literature in individuals affected with TRPM1-related conditions. ClinVar contains an entry for this variant (Variation ID: 1409533). Invitae Evidence Modeling of protein sequence and biophysical properties (such as structural, functional, and spatial information, amino acid conservation, physicochemical variation, residue mobility, and thermodynamic stability) indicates that this missense variant is not expected to disrupt TRPM1 protein function with a negative predictive value of 95%. In summary, the available evidence is currently insufficient to determine the role of this variant in disease. Therefore, it has been classified as a Variant of Uncertain Significance.

NM_001252024.2(TRPM1):c.3887G>A (p.Arg1296Gln)

Gene: TRPM1 (transient receptor potential cation channel subfamily M member 1; minus strand). Cytogenetic location: 15q13.3.
Variant type: single nucleotide variant.
Coding change: c.3887G>A on transcript NM_001252024.2 (MANE Select); coding-DNA position 3887, G replaced by A.
Protein change: p.Arg1296Gln; replaces arginine 1296 with glutamine.
Molecular consequence: missense variant.
Genome position (GRCh38, 1-based): chr15:31,002,813, C>T on the plus strand (G>A on the coding strand, the complement: TRPM1 is on the minus strand). VCF-style: chr15-31002813-C-T. GRCh37 (hg19) VCF-style: chr15-31295016-C-T.
Other names: c.3938G>A, p.Arg1313Gln (NM_001252020.2); c.3821G>A, p.Arg1274Gln (NM_002420.6); short protein forms R1296Q, R1274Q, R1313Q.
Identifiers: ClinVar variation 1409533 (VCV001409533.6), dbSNP rs555450322, ClinGen allele CA267497231.